The following is an entry in ClinVar:

NM_001378452.1(ITPR1):c.3283C>T (p.Arg1095Trp)

Gene: ITPR1 (inositol 1,4,5-trisphosphate receptor type 1; plus strand). Cytogenetic location: 3p26.1.
Variant type: single nucleotide variant.
Coding change: c.3283C>T on transcript NM_001378452.1 (MANE Select); coding-DNA position 3283, C replaced by T.
Protein change: p.Arg1095Trp; replaces arginine 1095 with tryptophan.
Molecular consequence: missense variant.
Genome position (GRCh38, 1-based): chr3:4,683,507, C>T. VCF-style: chr3-4683507-C-T. GRCh37 (hg19) VCF-style: chr3-4725191-C-T.
Other names: c.3256C>T, p.Arg1086Trp (NM_001099952.4); c.3238C>T, p.Arg1080Trp (NM_001168272.2); c.3211C>T, p.Arg1071Trp (NM_002222.7); short protein forms R1071W, R1080W, R1086W, R1095W.
Identifiers: ClinVar variation 1256604 (VCV001256604.9), dbSNP rs752791333, ClinGen allele CA2231634.

ClinVar aggregate classification (germline): Uncertain significance. Review status: criteria provided, multiple submitters, no conflicts (2 of 4 stars). 2 submissions from 2 submitters: Uncertain significance (2). Last evaluated 2024-01-02.

Allele frequency attached by ClinVar (database versions not stated): gnomAD exomes below 0.00001 and 0.00001; ExAC 0.00001.
gnomAD v4.1: 7 of 1,614,056 alleles (0.00043%); highest among the groups gnomAD compares: South Asian, 0.0022%; no homozygotes.

Submissions (2):

Labcorp Genetics (formerly Invitae), Labcorp
Classification: Uncertain significance. Last evaluated: 2024-01-02. Review status: criteria provided, single submitter. Criteria: Invitae Variant Classification Sherloc (09022015). Collection method: clinical testing. Allele origin: germline.
Comment: This sequence change replaces arginine, which is basic and polar, with tryptophan, which is neutral and slightly polar, at codon 1071 of the ITPR1 protein (p.Arg1071Trp). This variant is present in population databases (rs752791333, gnomAD 0.003%). This variant has not been reported in the literature in individuals affected with ITPR1-related conditions. ClinVar contains an entry for this variant (Variation ID: 1256604). Advanced modeling of protein sequence and biophysical properties (such as structural, functional, and spatial information, amino acid conservation, physicochemical variation, residue mobility, and thermodynamic stability) performed at Invitae indicates that this missense variant is expected to disrupt ITPR1 protein function with a positive predictive value of 80%. In summary, the available evidence is currently insufficient to determine the role of this variant in disease. Therefore, it has been classified as a Variant of Uncertain Significance.

Athena Diagnostics
Classification: Uncertain significance. Last evaluated: 2020-10-23. Review status: criteria provided, single submitter. Criteria: Athena Diagnostics criteria. Collection method: clinical testing. Allele origin: unknown.